The following is an entry in ClinVar:

NM_001458.5(FLNC):c.5750C>G (p.Ser1917Cys)

Genes: FLNC-AS1 (FLNC antisense RNA 1; minus strand), FLNC (filamin C; plus strand). Cytogenetic location: 7q32.1.
Variant type: single nucleotide variant.
Coding change: c.5750C>G on transcript NM_001458.5 (MANE Select); coding-DNA position 5750, C replaced by G.
Protein change: p.Ser1917Cys; replaces serine 1917 with cysteine.
Molecular consequence: missense variant.
Genome position (GRCh38, 1-based): chr7:128,851,536, C>G. VCF-style: chr7-128851536-C-G. GRCh37 (hg19) VCF-style: chr7-128491590-C-G.
Other names: c.5651C>G, p.Ser1884Cys (NM_001127487.2); short protein forms S1884C, S1917C.
Identifiers: ClinVar variation 2109333 (VCV002109333.4), dbSNP rs2536656396, ClinGen allele CA369208296.
Genomic context (GRCh38, chr7:128,851,536, plus strand): 5'-AGGGCCCATCCAAGGCAGAGATCACCTGTAAGGACAACAAGGATGGCACCTGCACCGTGT[C>G]CTATCTGCCGACTGCGCCTGGAGACTACAGCATCATCGTGCGCTTCGATGACAAGCACAT-3'
Protein context (NP_001449.3, residues 1907-1927): KDNKDGTCTV[Ser1917Cys]YLPTAPGDYS

ClinVar aggregate classification (germline): Uncertain significance (1 of 4 stars; one submission).

Conditions:
Myofibrillar myopathy 5. Also called: Filaminopathy (type); FILAMINOPATHY, AUTOSOMAL DOMINANT. Identifiers: Orphanet 171445, MedGen C1836050, MONDO:0012289, OMIM 609524.
Distal myopathy with posterior leg and anterior hand involvement. Also called: WILLIAMS DISTAL MYOPATHY. Identifiers: Orphanet 63273, MedGen C3279722, MONDO:0013550, OMIM 614065.
Hypertrophic cardiomyopathy 26. Also called: Cardiomyopathy, familial hypertrophic, 26. Identifiers: Orphanet 75249, MedGen C4310749, MONDO:0014883, OMIM 617047.

Submission:

Labcorp Genetics (formerly Invitae), Labcorp
Classification: Uncertain significance for Distal myopathy with posterior leg and anterior hand involvement; Myofibrillar myopathy 5; Hypertrophic cardiomyopathy 26. Last evaluated: 2022-08-10. Review status: criteria provided, single submitter. Criteria: Invitae Variant Classification Sherloc (09022015). Collection method: clinical testing. Allele origin: germline.
Comment: In summary, the available evidence is currently insufficient to determine the role of this variant in disease. Therefore, it has been classified as a Variant of Uncertain Significance. Algorithms developed to predict the effect of missense changes on protein structure and function are either unavailable or do not agree on the potential impact of this missense change (SIFT: "Deleterious"; PolyPhen-2: "Probably Damaging"; Align-GVGD: "Class C0"). This variant has not been reported in the literature in individuals affected with FLNC-related conditions. This variant is not present in population databases (gnomAD no frequency). This sequence change replaces serine, which is neutral and polar, with cysteine, which is neutral and slightly polar, at codon 1917 of the FLNC protein (p.Ser1917Cys).